The following is an entry in ClinVar:

NM_001378969.1(KCND3):c.493T>C (p.Phe165Leu)

Gene: KCND3 (potassium voltage-gated channel subfamily D member 3; minus strand). Cytogenetic location: 1p13.2.
Variant type: single nucleotide variant.
Coding change: c.493T>C on transcript NM_001378969.1 (MANE Select); coding-DNA position 493, T replaced by C.
Protein change: p.Phe165Leu; replaces phenylalanine 165 with leucine.
Molecular consequence: missense variant.
Genome position (GRCh38, 1-based): chr1:111,982,234, A>G on the plus strand (T>C on the coding strand, the complement: KCND3 is on the minus strand). VCF-style: chr1-111982234-A-G. GRCh37 (hg19) VCF-style: chr1-112524856-A-G.
Other names: c.493T>C, p.Phe165Leu (NM_001378970.1, NM_004980.5, NM_172198.3); short protein forms F165L.
Identifiers: ClinVar variation 4614335 (VCV004614335.1).
Genomic context (GRCh38, chr1:111,982,234, plus strand): 5'-AGACCAGGGCCAGCGTGCTGGTGTGGGGGTTCTCGAAGGCCCGCCACATGGTCTGGCGGA[A>G]GCTGAGCGAGGGCATGGACTCCTGGTTGTTCTCCGAGTCGTTGTCGTCCATGAGCCGCTC-3'
Protein context (NP_001365898.1, residues 155-175): NNQESMPSLS[Phe165Leu]RQTMWRAFEN

ClinVar aggregate classification (germline): Uncertain significance (1 of 4 stars; one submission).

Conditions:
Cardiovascular phenotype. Identifiers: MedGen CN230736.

gnomAD v4.1: 2 of 1,614,050 alleles (0.00012%); highest among the groups gnomAD compares: Non-Finnish European, 0.00017%; no homozygotes.

Submission:

Ambry Genetics
Classification: Uncertain significance for Cardiovascular phenotype. Last evaluated: 2025-11-15. Review status: criteria provided, single submitter. Criteria: Ambry Variant Classification Scheme 2023. Collection method: clinical testing. Allele origin: germline.
Comment: The p.F165L variant (also known as c.493T>C), located in coding exon 1 of the KCND3 gene, results from a T to C substitution at nucleotide position 493. The phenylalanine at codon 165 is replaced by leucine, an amino acid with highly similar properties. This amino acid position is conserved. In addition, the in silico prediction for this alteration is inconclusive. Based on the available evidence, the clinical significance of this variant remains unclear.